The following is an entry in ClinVar:

ClinVar aggregate classification (germline): Uncertain significance (1 of 4 stars; one submission).

Conditions:
Epileptic encephalopathy. Identifiers: MedGen C0543888, HP:0200134.

gnomAD v4.1: 10 of 1,613,422 alleles (0.00062%); highest among the groups gnomAD compares: East Asian, 0.022%; no homozygotes.

Submission:

Labcorp Genetics (formerly Invitae), Labcorp
Classification: Uncertain significance for Epileptic encephalopathy. Last evaluated: 2024-08-24. Review status: criteria provided, single submitter. Criteria: Invitae Variant Classification Sherloc (09022015). Collection method: clinical testing. Allele origin: germline.
Comment: This sequence change replaces histidine, which is basic and polar, with arginine, which is basic and polar, at codon 294 of the GABBR2 protein (p.His294Arg). This variant is present in population databases (rs753441586, gnomAD 0.03%). This variant has not been reported in the literature in individuals affected with GABBR2-related conditions. An algorithm developed to predict the effect of missense changes on protein structure and function outputs the following: PolyPhen-2: "Benign". The arginine amino acid residue is found in multiple mammalian species, which suggests that this missense change does not adversely affect protein function. In summary, the available evidence is currently insufficient to determine the role of this variant in disease. Therefore, it has been classified as a Variant of Uncertain Significance.

NM_005458.8(GABBR2):c.881A>G (p.His294Arg)

Gene: GABBR2 (gamma-aminobutyric acid type B receptor subunit 2; minus strand). Cytogenetic location: 9q22.33.
Variant type: single nucleotide variant.
Coding change: c.881A>G on transcript NM_005458.8 (MANE Select); coding-DNA position 881, A replaced by G.
Protein change: p.His294Arg; replaces histidine 294 with arginine.
Molecular consequence: missense variant.
Genome position (GRCh38, 1-based): chr9:98,473,264, T>C on the plus strand (A>G on the coding strand, the complement: GABBR2 is on the minus strand). VCF-style: chr9-98473264-T-C. GRCh37 (hg19) VCF-style: chr9-101235546-T-C.
Other names: short protein forms H294R.
Identifiers: ClinVar variation 3690377 (VCV003690377.2).
Genomic context (GRCh38, chr9:98,473,264, plus strand): 5'-TAGCCCTCCATGGCAGCAAGCAGATTCTTCCGGAGGCAGCGGGATGAGTTGGCTTCCGTG[T>C]GCACCTGCTCCCACCAAGAAGGCTCGTACCAGCCCGGAATGATCCACTGATATTTACTAC-3'
Protein context (NP_005449.5, residues 284-304): WYEPSWWEQV[His294Arg]TEANSSRCLR